The following is an entry in ClinVar:

NM_001378964.1(CDON):c.379C>G (p.His127Asp)

Gene: CDON (cell adhesion associated, oncogene regulated; minus strand). Cytogenetic location: 11q24.2.
Variant type: single nucleotide variant.
Coding change: c.379C>G on transcript NM_001378964.1 (MANE Select); coding-DNA position 379, C replaced by G.
Protein change: p.His127Asp; replaces histidine 127 with aspartic acid.
Molecular consequence: missense variant.
Genome position (GRCh38, 1-based): chr11:126,019,736, G>C on the plus strand (C>G on the coding strand, the complement: CDON is on the minus strand). VCF-style: chr11-126019736-G-C. GRCh37 (hg19) VCF-style: chr11-125889631-G-C.
Other names: c.379C>G, p.His127Asp (NM_016952.6, NM_001243597.3); short protein forms H127D.
Identifiers: ClinVar variation 2794559 (VCV002794559.3), dbSNP rs777340407, ClinGen allele CA383211745.

ClinVar aggregate classification (germline): Uncertain significance (1 of 4 stars; one submission).

Conditions:
Holoprosencephaly 11 (HPE11). Identifiers: Orphanet 2162, MedGen C3280215, MONDO:0013642, OMIM 614226.

Submission:

Labcorp Genetics (formerly Invitae), Labcorp
Classification: Uncertain significance for Holoprosencephaly 11. Last evaluated: 2023-11-10. Review status: criteria provided, single submitter. Criteria: Invitae Variant Classification Sherloc (09022015). Collection method: clinical testing. Allele origin: germline.
Comment: This sequence change replaces histidine, which is basic and polar, with aspartic acid, which is acidic and polar, at codon 127 of the CDON protein (p.His127Asp). This variant is not present in population databases (gnomAD no frequency). This variant has not been reported in the literature in individuals affected with CDON-related conditions. An algorithm developed to predict the effect of missense changes on protein structure and function (PolyPhen-2) suggests that this variant is likely to be tolerated. In summary, the available evidence is currently insufficient to determine the role of this variant in disease. Therefore, it has been classified as a Variant of Uncertain Significance.